The following is an entry in ClinVar:

NM_000179.3(MSH6):c.756A>G (p.Ser252=)

Gene: MSH6 (mutS homolog 6; plus strand). Cytogenetic location: 2p16.3.
Variant type: single nucleotide variant.
Coding change: c.756A>G on transcript NM_000179.3 (MANE Select); coding-DNA position 756, A replaced by G.
Protein change: p.Ser252=; no amino-acid change (serine 252 retained).
Molecular consequence: synonymous variant. On other transcripts: 5 prime UTR variant (9), non-coding transcript variant (4), intron variant (1).
Genome position (GRCh38, 1-based): chr2:47,798,739, A>G. VCF-style: chr2-47798739-A-G. GRCh37 (hg19) VCF-style: chr2-48025878-A-G.
Other names: c.459A>G, p.Ser153= (NM_001406818.1, NM_001406819.1, NM_001406820.1 and 10 more transcripts); c.-151A>G (NM_001406823.1, NM_001406829.1, NM_001281493.2 and 6 more transcripts); c.588A>G, p.Ser196= (NM_001406826.1); c.628-1927A>G (NM_001407362.1); c.366A>G, p.Ser122= (NM_001281492.2); c.852A>G, p.Ser284= (NM_001406795.1, NM_001406802.1); c.756A>G, p.Ser252= (NM_001406796.1, NM_001406798.1, NM_001406800.1 and 4 more transcripts); c.231A>G, p.Ser77= (NM_001406799.1, NM_001406806.1, NM_001406807.1); and 2 more.
Identifiers: ClinVar variation 2698541 (VCV002698541.4), dbSNP rs1450746584, ClinGen allele CA426120729.
Genomic context (GRCh38, chr2:47,798,739, plus strand): 5'-GCCTAAGACACAAGGATCTAGGCGAAGTAGCCGCCAAATAAAAAAACGAAGGGTCATATC[A>G]GATTCTGAGAGTGACATTGGTGGCTCTGATGTGGAATTTAAGCCAGACACTAAGGAGGAA-3'
Protein context (NP_000170.1, residues 242-262): SRQIKKRRVI[Ser252=]DSESDIGGSD

ClinVar aggregate classification (germline): Benign/Likely benign. Review status: criteria provided, multiple submitters, no conflicts (2 of 4 stars). 2 submissions from 2 submitters: Benign (1); Likely benign (1). Last evaluated 2024-12-20.

Conditions:
Hereditary nonpolyposis colorectal neoplasms. Identifiers: MedGen C0009405, MeSH D003123.
Lynch syndrome 5 (LYNCH5). Also called: Hereditary non-polyposis colorectal cancer, type 5; Colorectal cancer, hereditary nonpolyposis, type 5. Identifiers: Orphanet 144, MedGen C1833477, MONDO:0013710, OMIM 614350. Disease mechanism: loss of function.

Allele frequency attached by ClinVar (database versions not stated): gnomAD exomes below 0.00001.
gnomAD v4.1: 1 of 1,614,216 alleles (0.000062%); no homozygotes.

Submissions (2):

Myriad Genetics, Inc.
Classification: Benign for Lynch syndrome 5. Last evaluated: 2024-12-20. Review status: criteria provided, single submitter. Criteria: Myriad Autosomal Dominant, Autosomal Recessive and X-Linked Classification Criteria (2023). Collection method: clinical testing. Allele origin: unknown.
Comment: This variant is considered benign. This variant is a silent/synonymous amino acid change and it is not expected to impact splicing.

Labcorp Genetics (formerly Invitae), Labcorp
Classification: Likely benign for Hereditary nonpolyposis colorectal neoplasms. Last evaluated: 2023-11-24. Review status: criteria provided, single submitter. Criteria: Invitae Variant Classification Sherloc (09022015). Collection method: clinical testing. Allele origin: germline.